The following is an entry in ClinVar:

NM_000329.3(RPE65):c.881A>C (p.Lys294Thr)

Gene: RPE65 (retinoid isomerohydrolase RPE65; minus strand). Cytogenetic location: 1p31.3.
Variant type: single nucleotide variant.
Coding change: c.881A>C on transcript NM_000329.3 (MANE Select); coding-DNA position 881, A replaced by C.
Protein change: p.Lys294Thr; replaces lysine 294 with threonine.
Molecular consequence: missense variant.
Genome position (GRCh38, 1-based): chr1:68,439,059, T>G on the plus strand (A>C on the coding strand, the complement: RPE65 is on the minus strand). VCF-style: chr1-68439059-T-G. GRCh37 (hg19) VCF-style: chr1-68904742-T-G.
Other names: NM_000329.3(RPE65):c.881A>C; short protein forms K294T.
Identifiers: ClinVar variation 92859 (VCV000092859.39), dbSNP rs61752901, ClinGen allele CA146043.

ClinVar aggregate classification (germline): Likely benign. Review status: reviewed by expert panel (3 of 4 stars). 13 submissions from 12 submitters: Likely benign (1). 12 of the submissions do not count toward it. Last evaluated 2024-02-20.

Conditions:
RPE65-related recessive retinopathy. Also called: Recessive RPE65 retinopathy. Identifiers: MedGen CN305526, MONDO:0100368.
Leber congenital amaurosis 2 (LCA2). Also called: Autosomal Recessive RPE65-Related Retinal Degeneration; AMAUROSIS CONGENITA OF LEBER II. Identifiers: Orphanet 65, MedGen C1859844, MONDO:0008765, OMIM 204100. Disease mechanism: loss of function.
Retinitis pigmentosa 20 (RP20). Identifiers: Orphanet 791, MedGen C3151086, MONDO:0013425, OMIM 613794.
Retinitis pigmentosa 87 with choroidal involvement. Identifiers: MedGen C5231465, MONDO:0032873, OMIM 618697.
Leber congenital amaurosis (LCA). Also called: Leber's amaurosis. Identifiers: Orphanet 65, MedGen C0339527, MeSH D057130, MONDO:0018998.
Retinitis pigmentosa (RP). Identifiers: Orphanet 791, MedGen C0035334, MeSH D012174, MONDO:0019200, OMIM 268000. Inheritance: Autosomal dominant, autosomal recessive and X linked inheritance.

Allele frequency attached by ClinVar (database versions not stated): gnomAD exomes 0.00118 and 0.00527; gnomAD 0.00245 and 0.00232; ExAC 0.00401; TOPMed 0.00569; 1000 Genomes Project 0.00779; 1000 Genomes Project 30x 0.00843.
gnomAD v4.1: 2,115 of 1,614,098 alleles (0.13%); highest among the groups gnomAD compares: Admixed American, 3.3%; 45 homozygotes.

Submissions (13):

ClinGen Leber Congenital Amaurosis/early Onset Retinal Dystrophy Variant Curation Expert Panel, ClinGen
Classification: Likely benign for RPE65-related recessive retinopathy. Last evaluated: 2024-02-20. Review status: reviewed by expert panel. Criteria: ClinGen LCAeoRD ACMG Specifications RPE65 V1.0.0. Collection method: curation. Allele origin: germline. Inheritance: Autosomal recessive inheritance.
Comment: NM_000329.3(RPE65):c.881A>C is a missense variant that causes substitution of lysine with threonine at position 294. This variant is present in gnomAD v.2.1.1 at a GrpMax allele frequency of 0.03554, with 1312 alleles / 35390 total alleles in the Admixed American population (with 33 homozygotes), which is higher than the ClinGen LCA / eoRD VCEP BA1 threshold of >0.008 (BA1). This variant has been reported in at least 1 proband with early-onset severe retinal dystrophy who harbored the variant in the heterozygous state (PMID: 19431183) with the NM_000329.3(RPE65):c.1078G>C (p.Ala360Pro) variant in trans and a 22-bp deletion within exon 12 in cis (PMID: 19431183). However, the proband was not counted for the PM3 or BP2 codes because the other two variants have not yet been classified by the ClinGen LCA / eoRD VCEP. The meta-predictor REVEL gives a score of 0.974, which is above the ClinGen LCA/eoRP VCEP PP3 threshold of >0.773 and predicts a damaging effect on RPE65 function (PP3_Moderate). The variant exhibited 16%-68% enzymatic activity in a retinoid isomerase assay relative to the wild-type control, which is between the ClinGen LCA / eoRD VCEP thresholds of <10% activity (PS3_Supporting) and >50% activity (BS3_Supporting), so neither functional study code is met (PMID: 16150724, PMID: 19431183). Another missense variant in the same codon, NM_000329.2; c.880A>G, (p.Lys294Glu), has been observed in a proband with early-onset severe retinal dystrophy (VCEP member-provided data), but has been classified as a variant of uncertain significance for RPE65-related recessive retinopathy by the ClinGen LCA / eoRD VCEP, so the PM5_Supporting code is not met. In summary, this variant meets the criteria to be classified as likely benign for RPE65-related recessive retinopathy based on the ACMG/AMP criteria applied, as specified by the ClinGen LCA / eoRD VCEP: BA1 and PP3_Moderate. (VCEP specifications version 1.0.0; date of approval 09/21/2023).

CeGaT Center for Human Genetics Tuebingen
Classification: Benign. Last evaluated: 2026-10-01. Review status: criteria provided, single submitter. Criteria: CeGaT Center For Human Genetics Tuebingen Variant Classification Criteria Version 2. Collection method: clinical testing. Allele origin: germline. Affected: yes. Observed: 64 variant alleles. Not counted in ClinVar's aggregate classification.
Comment: RPE65: BS1, BS2

Labcorp Genetics (formerly Invitae), Labcorp
Classification: Benign for Leber congenital amaurosis 2; Retinitis pigmentosa 20. Last evaluated: 2026-01-31. Review status: criteria provided, single submitter. Criteria: Invitae Variant Classification Sherloc (09022015). Collection method: clinical testing. Allele origin: germline. Not counted in ClinVar's aggregate classification.

Women's Health and Genetics/Laboratory Corporation of America, LabCorp
Classification: Likely benign. Last evaluated: 2022-05-03. Review status: criteria provided, single submitter. Criteria: LabCorp Variant Classification Summary - May 2015. Collection method: clinical testing. Allele origin: germline. Not counted in ClinVar's aggregate classification.

Fulgent Genetics
Classification: Likely benign for Leber congenital amaurosis 2; Retinitis pigmentosa 20; Retinitis pigmentosa 87 with choroidal involvement. Last evaluated: 2021-08-16. Review status: criteria provided, single submitter. Criteria: ACMG Guidelines, 2015. Collection method: clinical testing. Allele origin: unknown. Not counted in ClinVar's aggregate classification.

Illumina Laboratory Services, Illumina
Classification: Benign for Leber congenital amaurosis 2. Last evaluated: 2017-04-28. Review status: criteria provided, single submitter. Criteria: ICSL Variant Classification Criteria 13 December 2019. Collection method: clinical testing. Allele origin: germline. Not counted in ClinVar's aggregate classification.
Comment: This variant was observed as part of a predisposition screen in an ostensibly healthy population. A literature search was performed for the gene, cDNA change, and amino acid change (where applicable). Publications were found based on this search. The evidence from the literature, in combination with allele frequency data from public databases where available, was sufficient to rule this variant out of causing disease. Therefore, this variant is classified as benign.

Illumina Laboratory Services, Illumina
Classification: Benign for Retinitis pigmentosa. Last evaluated: 2017-04-28. Review status: criteria provided, single submitter. Criteria: ICSL Variant Classification Criteria 13 December 2019. Collection method: clinical testing. Allele origin: germline. Not counted in ClinVar's aggregate classification.
Comment: the same text as in the submission from Illumina Laboratory Services, Illumina above.

GeneDx
Classification: Benign. Last evaluated: 2016-12-30. Review status: criteria provided, single submitter. Criteria: GeneDx Variant Classification (06012015). Collection method: clinical testing. Allele origin: germline. Affected: yes. Not counted in ClinVar's aggregate classification.
Comment: This variant is considered likely benign or benign based on one or more of the following criteria: it is a conservative change, it occurs at a poorly conserved position in the protein, it is predicted to be benign by multiple in silico algorithms, and/or has population frequency not consistent with disease.

Eurofins Ntd Llc (ga)
Classification: Benign. Last evaluated: 2013-10-08. Review status: criteria provided, single submitter. Criteria: EGL Classification Definitions 2015. Collection method: clinical testing. Allele origin: germline. Observed: 2 variant alleles, 2 heterozygotes. Not counted in ClinVar's aggregate classification.

Breakthrough Genomics
Classification: Likely benign. Review status: criteria provided, single submitter. Criteria: ACMG Guidelines, 2015. Collection method: not provided. Allele origin: germline. Inheritance: Autosomal recessive inheritance. Affected: yes. Not counted in ClinVar's aggregate classification.

Natera, Inc.
Classification: Benign for Leber congenital amaurosis. Last evaluated: 2020-06-18. Review status: no assertion criteria provided. Collection method: clinical testing. Allele origin: germline. Not counted in ClinVar's aggregate classification.

Counsyl
Classification: Likely benign for Leber congenital amaurosis 2; Retinitis pigmentosa 20. Last evaluated: 2017-03-07. Review status: no assertion criteria provided. Collection method: clinical testing. Allele origin: unknown. Not counted in ClinVar's aggregate classification.

Retina International
No classification provided. Review status: no classification provided. Collection method: not provided. Allele origin: unknown. Not counted in ClinVar's aggregate classification.

Literature cited by the submitters: PubMed 9501220 (cited by Illumina Laboratory Services, Illumina); PubMed 26626312 (cited by Illumina Laboratory Services, Illumina); PubMed 11095629 (cited by Illumina Laboratory Services, Illumina and Counsyl); PubMed 19431183 (cited by Illumina Laboratory Services, Illumina and Counsyl); PubMed 23591405 (cited by Illumina Laboratory Services, Illumina and Counsyl); PubMed 16150724 (cited by Illumina Laboratory Services, Illumina and Counsyl).